The following is an entry in ClinVar:

ClinVar aggregate classification (germline): Uncertain significance. Review status: criteria provided, multiple submitters, no conflicts (2 of 4 stars). 2 submissions from 2 submitters: Uncertain significance (2). Last evaluated 2024-07-18.

Allele frequency attached by ClinVar (database versions not stated): ExAC 0.00012; ESP Exome Variant Server 0.00015; gnomAD 0.00015; 1000 Genomes Project 30x 0.00016; 1000 Genomes Project 0.00020; TOPMed 0.00020.
gnomAD v4.1: 125 of 1,569,696 alleles (0.008%); highest among the groups gnomAD compares: African/African-American, 0.038%; no homozygotes.

Submissions (2):

Ambry Genetics
Classification: Uncertain significance. Last evaluated: 2024-07-18. Review status: criteria provided, single submitter. Criteria: Ambry Variant Classification Scheme 2023. Collection method: clinical testing. Allele origin: germline.

Labcorp Genetics (formerly Invitae), Labcorp
Classification: Uncertain significance. Last evaluated: 2024-03-07. Review status: criteria provided, single submitter. Criteria: Invitae Variant Classification Sherloc (09022015). Collection method: clinical testing. Allele origin: germline.
Comment: This sequence change replaces arginine, which is basic and polar, with histidine, which is basic and polar, at codon 2537 of the FBN3 protein (p.Arg2537His). This variant is present in population databases (rs200311384, gnomAD 0.06%). This variant has not been reported in the literature in individuals affected with FBN3-related conditions. ClinVar contains an entry for this variant (Variation ID: 2173566). Advanced modeling of protein sequence and biophysical properties (such as structural, functional, and spatial information, amino acid conservation, physicochemical variation, residue mobility, and thermodynamic stability) performed at Invitae indicates that this missense variant is expected to disrupt FBN3 protein function with a positive predictive value of 80%. In summary, the available evidence is currently insufficient to determine the role of this variant in disease. Therefore, it has been classified as a Variant of Uncertain Significance.

NM_032447.5(FBN3):c.7610G>A (p.Arg2537His)

Gene: FBN3 (fibrillin 3; minus strand). Cytogenetic location: 19p13.2.
Variant type: single nucleotide variant.
Coding change: c.7610G>A on transcript NM_032447.5 (MANE Select); coding-DNA position 7610, G replaced by A.
Protein change: p.Arg2537His; replaces arginine 2537 with histidine.
Molecular consequence: missense variant.
Genome position (GRCh38, 1-based): chr19:8,075,163, C>T on the plus strand (G>A on the coding strand, the complement: FBN3 is on the minus strand). VCF-style: chr19-8075163-C-T. GRCh37 (hg19) VCF-style: chr19-8140047-C-T.
Other names: c.7610G>A (NM_032447.3); c.7610G>A, p.Arg2537His (NM_001321431.2); short protein forms R2537H.
Identifiers: ClinVar variation 2173566 (VCV002173566.6), dbSNP rs200311384, ClinGen allele CA9150803.